The following is an entry in ClinVar:

NM_002334.4(LRP4):c.5426T>A (p.Ile1809Asn)

Genes: LRP4 (LDL receptor related protein 4; minus strand), LRP4-AS1 (LRP4 antisense RNA 1; plus strand). Cytogenetic location: 11p11.2.
Variant type: single nucleotide variant.
Coding change: c.5426T>A on transcript NM_002334.4 (MANE Select); coding-DNA position 5426, T replaced by A.
Protein change: p.Ile1809Asn; replaces isoleucine 1809 with asparagine.
Molecular consequence: missense variant.
Genome position (GRCh38, 1-based): chr11:46,859,275, A>T on the plus strand (T>A on the coding strand, the complement: LRP4 is on the minus strand). VCF-style: chr11-46859275-A-T. GRCh37 (hg19) VCF-style: chr11-46880826-A-T.
Other names: short protein forms I1809N.
Identifiers: ClinVar variation 651553 (VCV000651553.8), dbSNP rs373162825, ClinGen allele CA5969025.
Genomic context (GRCh38, chr11:46,859,275, plus strand): 5'-AGTTGCTTGAGGTCATCCCACTCAGCATCATCCCCAGACAGGAGGCAGATTCCCTCTACG[A>T]TCTTGATCTTCTCCTTGGTGTAGTTATGGTCAGGCCCTCCCTAGGGTGGAGAGTGGGCAG-3'
Protein context (NP_002325.2, residues 1799-1819): DHNYTKEKIK[Ile1809Asn]VEGICLLSGD

ClinVar aggregate classification (germline): Uncertain significance (1 of 4 stars; one submission).

Conditions:
Cenani-Lenz syndactyly syndrome. Also called: SYNDACTYLY, TYPE VII; CENANI SYNDACTYLISM. Identifiers: Orphanet 3258, MedGen C1859309, MONDO:0008931, OMIM 212780.
Sclerosteosis 2 (SOST2). Identifiers: Orphanet 3152, MedGen C3280402, MONDO:0013679, OMIM 614305.
Congenital myasthenic syndrome 17. Identifiers: Orphanet 590, MedGen C4225377, MONDO:0014578, OMIM 616304.

Allele frequency attached by ClinVar (database versions not stated): ExAC 0.00001; gnomAD exomes 0.00001 and below 0.00001; ESP Exome Variant Server 0.00008.
gnomAD v4.1: 20 of 1,614,004 alleles (0.0012%); highest among the groups gnomAD compares: Non-Finnish European, 0.0017%; no homozygotes.

Submission:

Labcorp Genetics (formerly Invitae), Labcorp
Classification: Uncertain significance for Cenani-Lenz syndactyly syndrome; Sclerosteosis 2; Congenital myasthenic syndrome 17. Last evaluated: 2022-07-06. Review status: criteria provided, single submitter. Criteria: Invitae Variant Classification Sherloc (09022015). Collection method: clinical testing. Allele origin: germline.
Comment: This sequence change replaces isoleucine, which is neutral and non-polar, with asparagine, which is neutral and polar, at codon 1809 of the LRP4 protein (p.Ile1809Asn). This variant is present in population databases (rs373162825, gnomAD 0.0009%). This variant has not been reported in the literature in individuals affected with LRP4-related conditions. ClinVar contains an entry for this variant (Variation ID: 651553). Algorithms developed to predict the effect of missense changes on protein structure and function are either unavailable or do not agree on the potential impact of this missense change (SIFT: "Deleterious"; PolyPhen-2: "Probably Damaging"; Align-GVGD: "Class C0"). In summary, the available evidence is currently insufficient to determine the role of this variant in disease. Therefore, it has been classified as a Variant of Uncertain Significance.